The following is an entry in ClinVar:

NM_001261826.3(AP3D1):c.512A>G (p.Tyr171Cys)

Gene: AP3D1 (adaptor related protein complex 3 subunit delta 1; minus strand). Cytogenetic location: 19p13.3.
Variant type: single nucleotide variant.
Coding change: c.512A>G on transcript NM_001261826.3 (MANE Select); coding-DNA position 512, A replaced by G.
Protein change: p.Tyr171Cys; replaces tyrosine 171 with cysteine.
Molecular consequence: missense variant.
Genome position (GRCh38, 1-based): chr19:2,130,488, T>C on the plus strand (A>G on the coding strand, the complement: AP3D1 is on the minus strand). VCF-style: chr19-2130488-T-C. GRCh37 (hg19) VCF-style: chr19-2130487-T-C.
Other names: c.512A>G, p.Tyr171Cys (NM_001374799.1, NM_003938.8); short protein forms Y171C.
Identifiers: ClinVar variation 3696413 (VCV003696413.2).

ClinVar aggregate classification (germline): Uncertain significance (1 of 4 stars; one submission).

gnomAD v4.1: 3 of 1,614,088 alleles (0.00019%); highest among the groups gnomAD compares: Non-Finnish European, 0.00025%; no homozygotes.

Submission:

Labcorp Genetics (formerly Invitae), Labcorp
Classification: Uncertain significance. Last evaluated: 2025-08-20. Review status: criteria provided, single submitter. Criteria: Invitae Variant Classification Sherloc (09022015). Collection method: clinical testing. Allele origin: germline.
Comment: This sequence change replaces tyrosine, which is neutral and polar, with cysteine, which is neutral and slightly polar, at codon 171 of the AP3D1 protein (p.Tyr171Cys). This variant is not present in population databases (gnomAD no frequency). This variant has not been reported in the literature in individuals affected with AP3D1-related conditions. ClinVar contains an entry for this variant (Variation ID: 3696413). An algorithm developed to predict the effect of missense changes on protein structure and function (PolyPhen-2) suggests that this variant is likely to be disruptive. In summary, the available evidence is currently insufficient to determine the role of this variant in disease. Therefore, it has been classified as a Variant of Uncertain Significance.